The following is an entry in ClinVar:

NM_001127198.5(TMC6):c.227C>T (p.Thr76Met)

Gene: TMC6 (transmembrane channel like 6; minus strand). Cytogenetic location: 17q25.3.
Variant type: single nucleotide variant.
Coding change: c.227C>T on transcript NM_001127198.5 (MANE Select); coding-DNA position 227, C replaced by T.
Protein change: p.Thr76Met; replaces threonine 76 with methionine.
Molecular consequence: missense variant.
Genome position (GRCh38, 1-based): chr17:78,126,321, G>A on the plus strand (C>T on the coding strand, the complement: TMC6 is on the minus strand). VCF-style: chr17-78126321-G-A. GRCh37 (hg19) VCF-style: chr17-76122402-G-A.
Other names: c.227C>T, p.Thr76Met (NM_001321185.1, NM_001374593.1, NM_001374594.1 and 4 more transcripts); c.227C>T (NM_007267.6); short protein forms T76M.
Identifiers: ClinVar variation 859942 (VCV000859942.8), dbSNP rs866058450, ClinGen allele CA294356632.

ClinVar aggregate classification (germline): Uncertain significance. Review status: criteria provided, multiple submitters, no conflicts (2 of 4 stars). 2 submissions from 2 submitters: Uncertain significance (2). Last evaluated 2024-08-11.

Conditions:
Inborn genetic diseases. Identifiers: MedGen C0950123, MeSH D030342.
Epidermodysplasia verruciformis. Identifiers: Orphanet 302, MedGen C0014522, MONDO:0009176.

Allele frequency attached by ClinVar (database versions not stated): gnomAD exomes 0.00005; TOPMed 0.00011; gnomAD 0.00012 and 0.00013.
gnomAD v4.1: 61 of 1,573,752 alleles (0.0039%); highest among the groups gnomAD compares: African/African-American, 0.036%; no homozygotes.

Submissions (2):

Ambry Genetics
Classification: Uncertain significance for Inborn genetic diseases. Last evaluated: 2024-08-11. Review status: criteria provided, single submitter. Criteria: Ambry Variant Classification Scheme 2023. Collection method: clinical testing. Allele origin: germline.

Labcorp Genetics (formerly Invitae), Labcorp
Classification: Uncertain significance for Epidermodysplasia verruciformis. Last evaluated: 2022-07-14. Review status: criteria provided, single submitter. Criteria: Invitae Variant Classification Sherloc (09022015). Collection method: clinical testing. Allele origin: germline.
Comment: This sequence change replaces threonine, which is neutral and polar, with methionine, which is neutral and non-polar, at codon 76 of the TMC6 protein (p.Thr76Met). The frequency data for this variant in the population databases is considered unreliable, as metrics indicate poor data quality at this position in the gnomAD database. This variant has not been reported in the literature in individuals affected with TMC6-related conditions. ClinVar contains an entry for this variant (Variation ID: 859942). Algorithms developed to predict the effect of missense changes on protein structure and function output the following: SIFT: "Not Available"; PolyPhen-2: "Benign"; Align-GVGD: "Not Available". The methionine amino acid residue is found in multiple mammalian species, which suggests that this missense change does not adversely affect protein function. In summary, the available evidence is currently insufficient to determine the role of this variant in disease. Therefore, it has been classified as a Variant of Uncertain Significance.